The following is an entry in ClinVar:

ClinVar aggregate classification (germline): Uncertain significance (1 of 4 stars; one submission).

Conditions:
Fanconi anemia complementation group J. Also called: BRIP1-Related Fanconi Anemia. Identifiers: Orphanet 84, MedGen C1836860, MONDO:0012187, OMIM 609054.
Familial cancer of breast. Also called: BREAST CANCER, FAMILIAL; Hereditary breast cancer; hereditary breast carcinoma. Identifiers: Orphanet 227535, MedGen C0346153, MONDO:0016419, OMIM 114480. Disease mechanism: loss of function.

Allele frequency attached by ClinVar (database versions not stated): gnomAD exomes below 0.00001.
gnomAD v4.1: 1 of 1,614,114 alleles (0.000062%); highest among the groups gnomAD compares: Non-Finnish European, 0.000085%; no homozygotes.

Submission:

Labcorp Genetics (formerly Invitae), Labcorp
Classification: Uncertain significance for Familial cancer of breast; Fanconi anemia complementation group J. Last evaluated: 2022-12-07. Review status: criteria provided, single submitter. Criteria: Invitae Variant Classification Sherloc (09022015). Collection method: clinical testing. Allele origin: germline.
Comment: This sequence change replaces glutamic acid, which is acidic and polar, with glycine, which is neutral and non-polar, at codon 875 of the BRIP1 protein (p.Glu875Gly). This variant is not present in population databases (gnomAD no frequency). This variant has not been reported in the literature in individuals affected with BRIP1-related conditions. Advanced modeling of protein sequence and biophysical properties (such as structural, functional, and spatial information, amino acid conservation, physicochemical variation, residue mobility, and thermodynamic stability) performed at Invitae indicates that this missense variant is not expected to disrupt BRIP1 protein function. In summary, the available evidence is currently insufficient to determine the role of this variant in disease. Therefore, it has been classified as a Variant of Uncertain Significance.

NM_032043.3(BRIP1):c.2624A>G (p.Glu875Gly)

Gene: BRIP1 (BRCA1 interacting DNA helicase 1; minus strand). Cytogenetic location: 17q23.2.
Variant type: single nucleotide variant.
Coding change: c.2624A>G on transcript NM_032043.3 (MANE Select); coding-DNA position 2624, A replaced by G.
Protein change: p.Glu875Gly; replaces glutamic acid 875 with glycine.
Molecular consequence: missense variant.
Genome position (GRCh38, 1-based): chr17:61,686,117, T>C on the plus strand (A>G on the coding strand, the complement: BRIP1 is on the minus strand). VCF-style: chr17-61686117-T-C. GRCh37 (hg19) VCF-style: chr17-59763478-T-C.
Other names: short protein forms E875G.
Identifiers: ClinVar variation 2942116 (VCV002942116.3), dbSNP rs2144117334, ClinGen allele CA400481919.